The following is an entry in ClinVar:

ClinVar aggregate classification (germline): Uncertain significance (1 of 4 stars; one submission).

Conditions:
Beckwith-Wiedemann syndrome (BWS). Also called: Exomphalos macroglossia gigantism syndrome; EMG SYNDROME. Identifiers: Orphanet 116, MedGen C0004903, MONDO:0007534, OMIM 130650.

Submission:

Labcorp Genetics (formerly Invitae), Labcorp
Classification: Uncertain significance for Beckwith-Wiedemann syndrome. Last evaluated: 2022-06-08. Review status: criteria provided, single submitter. Criteria: Invitae Variant Classification Sherloc (09022015). Collection method: clinical testing. Allele origin: germline.
Comment: In summary, the available evidence is currently insufficient to determine the role of this variant in disease. Therefore, it has been classified as a Variant of Uncertain Significance. Algorithms developed to predict the effect of missense changes on protein structure and function are either unavailable or do not agree on the potential impact of this missense change (SIFT: "Tolerated"; PolyPhen-2: "Not Available"; Align-GVGD: "Class C0"). This variant has not been reported in the literature in individuals affected with CDKN1C-related conditions. This variant is not present in population databases (gnomAD no frequency). This sequence change replaces proline, which is neutral and non-polar, with glutamine, which is neutral and polar, at codon 294 of the CDKN1C protein (p.Pro294Gln).

NM_001122630.2(CDKN1C):c.848C>A (p.Pro283Gln)

Gene: CDKN1C (cyclin dependent kinase inhibitor 1C; minus strand). Cytogenetic location: 11p15.4.
Variant type: single nucleotide variant.
Coding change: c.848C>A on transcript NM_001122630.2 (MANE Select); coding-DNA position 848, C replaced by A.
Protein change: p.Pro283Gln; replaces proline 283 with glutamine.
Molecular consequence: missense variant.
Genome position (GRCh38, 1-based): chr11:2,884,074, G>T on the plus strand (C>A on the coding strand, the complement: CDKN1C is on the minus strand). VCF-style: chr11-2884074-G-T. GRCh37 (hg19) VCF-style: chr11-2905304-G-T.
Other names: c.881C>A, p.Pro294Gln (NM_000076.2, NM_001362474.2); c.848C>A, p.Pro283Gln (NM_001122631.2); c.316C>A, p.Arg106Ser (NM_001362475.2); short protein forms P283Q, R106S, P294Q.
Identifiers: ClinVar variation 1897411 (VCV001897411.5), dbSNP rs2133780137, ClinGen allele CA379144906.
Genomic context (GRCh38, chr11:2,884,074, plus strand): 5'-CTCTTGCGCGGGGTCTGCTCCACCGAGCCCACGCCAGGGGCGGCGCTTGGAGAGGGACAC[G>T]GCGCGGGGACATCGCCCGACGACTTCTCAGGCGCTGATCTCTTGCGCTTGGCGAAGAAAT-3'
Protein context (NP_001116102.1, residues 273-293): PEKSSGDVPA[Pro283Gln]CPSPSAAPGV